The following is an entry in ClinVar:

NM_001943.5(DSG2):c.2929C>T (p.Gln977Ter)

Genes: DSG2 (desmoglein 2; plus strand), DSG2-AS1 (DSG2 antisense RNA 1; minus strand). Cytogenetic location: 18q12.1.
Variant type: single nucleotide variant.
Coding change: c.2929C>T on transcript NM_001943.5 (MANE Select); coding-DNA position 2929, C replaced by T.
Protein change: p.Gln977Ter; replaces glutamine 977 with a stop codon.
Molecular consequence: nonsense.
Genome position (GRCh38, 1-based): chr18:31,546,315, C>T. VCF-style: chr18-31546315-C-T. GRCh37 (hg19) VCF-style: chr18-29126278-C-T.
Other names: short protein forms Q977*.
Identifiers: ClinVar variation 918413 (VCV000918413.3), dbSNP rs2073309147, ClinGen allele CA402147407.

ClinVar aggregate classification (germline): Uncertain significance (1 of 4 stars; one submission).

Conditions:
Cardiomyopathy (CMYO). Also called: Cardiomyopathies. Identifiers: Orphanet 167848, MedGen C0878544, MONDO:0004994, HP:0001638. Inheritance: Various modes of inheritance.

Allele frequency attached by ClinVar (database versions not stated): gnomAD exomes below 0.00001.
gnomAD v4.1: 2 of 1,604,850 alleles (0.00012%); highest among the groups gnomAD compares: Middle Eastern, 0.017%; no homozygotes.

Submission:

Color Diagnostics, LLC DBA Color Health
Classification: Uncertain significance for Cardiomyopathy. Last evaluated: 2019-07-20. Review status: criteria provided, single submitter. Criteria: ACMG Guidelines, 2015. Collection method: clinical testing. Allele origin: germline.
Comment: This variant changes 1 nucleotide in exon 15 of the DSG2 gene, creating a premature translation stop signal. This variant is expected to result in an absent or non-functional protein product. To our knowledge, functional assays have not been performed for this variant nor has this variant been reported in individuals affected with cardiovascular disorders in the literature. This variant has not been identified in the general population by the Genome Aggregation Database (gnomAD). Clinical significance of loss-of-function truncations and splice variants in the DSG2 gene is not clearly established. Available evidence is insufficient to determine the role of this variant in disease conclusively. Therefore, this variant is classified as a Variant of Uncertain Significance.